The following is an entry in ClinVar:

ClinVar aggregate classification (germline): Pathogenic (1 of 4 stars; one submission).

Conditions:
Hereditary cancer-predisposing syndrome. Also called: Hereditary Cancer Syndrome; Hereditary neoplastic syndrome; Neoplastic Syndromes, Hereditary; Tumor predisposition. Identifiers: Orphanet 140162, MedGen C0027672, MeSH D009386, MONDO:0015356.

Submission:

Ambry Genetics
Classification: Pathogenic for Hereditary cancer-predisposing syndrome. Last evaluated: 2021-12-01. Review status: criteria provided, single submitter. Criteria: Ambry Variant Classification Scheme 2023. Collection method: clinical testing. Allele origin: germline.
Comment: The p.Y192* pathogenic mutation (also known as c.576C>A), located in coding exon 6 of the NF2 gene, results from a C to A substitution at nucleotide position 576. This changes the amino acid from a tyrosine to a stop codon within coding exon 6. This variant is considered to be rare based on population cohorts in the Genome Aggregation Database (gnomAD). This alteration is expected to result in loss of function by premature protein truncation or nonsense-mediated mRNA decay. As such, this alteration is interpreted as a disease-causing mutation.

NM_000268.4(NF2):c.576C>A (p.Tyr192Ter)

Gene: NF2 (NF2, moesin-ezrin-radixin like (MERLIN) tumor suppressor; plus strand). Cytogenetic location: 22q12.2.
Variant type: single nucleotide variant.
Coding change: c.576C>A on transcript NM_000268.4 (MANE Select); coding-DNA position 576, C replaced by A.
Protein change: p.Tyr192Ter; replaces tyrosine 192 with a stop codon.
Molecular consequence: nonsense. On other transcripts: non-coding transcript variant (1), intron variant (1).
Genome position (GRCh38, 1-based): chr22:29,655,653, C>A. VCF-style: chr22-29655653-C-A. GRCh37 (hg19) VCF-style: chr22-30051642-C-A.
Other names: c.462C>A, p.Tyr154Ter (NM_001407056.1, NM_001407053.1); c.453C>A, p.Tyr151Ter (NM_001407054.1, NM_001407058.1, NM_001407062.1 and 1 more transcripts); c.450C>A, p.Tyr150Ter (NM_001407055.1, NM_181828.3); c.576C>A, p.Tyr192Ter (NM_001407057.1, NM_001407059.1, NM_001407060.1 and 4 more transcripts); c.327C>A, p.Tyr109Ter (NM_001407063.1, NM_001407064.1, NM_181830.3 and 1 more transcripts); c.42C>A, p.Tyr14Ter (NM_001407065.1); c.345C>A, p.Tyr115Ter (NM_001407067.1); c.447+13368C>A (NM_181833.3); short protein forms Y109*, Y14*, Y115*, Y154*, Y192*, Y150*, Y151*.
Identifiers: ClinVar variation 1749520 (VCV001749520.2), dbSNP rs149803133, ClinGen allele CA411142653.